The following is an entry in ClinVar:

ClinVar aggregate classification (germline): Pathogenic (1 of 4 stars; one submission).

Submission:

Labcorp Genetics (formerly Invitae), Labcorp
Classification: Pathogenic. Last evaluated: 2022-06-13. Review status: criteria provided, single submitter. Criteria: Invitae Variant Classification Sherloc (09022015). Collection method: clinical testing. Allele origin: germline.
Comment: This sequence change creates a premature translational stop signal (p.Tyr513Metfs*2) in the EYS gene. It is expected to result in an absent or disrupted protein product. Loss-of-function variants in EYS are known to be pathogenic (PMID: 18836446, 20333770). This variant is not present in population databases (gnomAD no frequency). This variant has not been reported in the literature in individuals affected with EYS-related conditions. ClinVar contains an entry for this variant (Variation ID: 1074903). For these reasons, this variant has been classified as Pathogenic.

Literature cited by the submitters: PubMed 18836446; PubMed 20333770.

NM_001142800.2(EYS):c.1536del (p.Tyr513fs)

Gene: EYS (EGF-like photoreceptor maintenance factor; minus strand). Cytogenetic location: 6q12.
Variant type: Deletion.
Coding change: c.1536del on transcript NM_001142800.2 (MANE Select); coding-DNA position 1536, one base deleted (C; older notation c.1536delC).
Protein change: p.Tyr513fs; shifts the reading frame from tyrosine 513.
Molecular consequence: frameshift variant.
Genome position (GRCh38, 1-based): chr6:65,344,101, G deleted on the plus strand (C on the coding strand, the reverse complement: EYS is on the minus strand); the first of 2 consecutive G bases (chr6:65,344,101-65,344,102); deleting either gives the same sequence. VCF-style (leftmost placement, unchanged base first): chr6-65344100-AG-A. GRCh37 (hg19) VCF-style: chr6-66053993-AG-A.
Other names: c.1536del, p.Tyr513fs (NM_001142801.2, NM_001292009.2, NM_198283.2); short protein forms Y513fs.
Identifiers: ClinVar variation 1074903 (VCV001074903.7), dbSNP rs2150319909, ClinGen allele CA2499218491.